The following is an entry in ClinVar:

ClinVar aggregate classification (germline): Uncertain significance (1 of 4 stars; one submission).

Conditions:
Hereditary cancer-predisposing syndrome. Also called: Tumor predisposition; Hereditary Cancer Syndrome; Hereditary neoplastic syndrome; Neoplastic Syndromes, Hereditary. Identifiers: Orphanet 140162, MedGen C0027672, MeSH D009386, MONDO:0015356.

Submission:

Ambry Genetics
Classification: Uncertain significance for Hereditary cancer-predisposing syndrome. Last evaluated: 2023-08-10. Review status: criteria provided, single submitter. Criteria: Ambry Variant Classification Scheme 2023. Collection method: clinical testing. Allele origin: germline.
Comment: The c.2947_2950dupTCTG variant, located in coding exon 25 of the TSC2 gene, results from a duplication of TCTG at nucleotide position 2947, causing a translational frameshift with a predicted alternate stop codon (p.E984Vfs*2). This alteration is expected to result in loss of function by premature protein truncation or nonsense-mediated mRNA decay; however, this variant occurs in an exon that is excluded in biologically relevant transcripts (Ekong R et al. Hum. Mutat., 2016 Apr;37:364-70). Since supporting evidence is limited at this time, the clinical significance of this alteration remains unclear.

NM_000548.5(TSC2):c.2947_2950dup (p.Glu984delinsValTer)

Gene: TSC2 (TSC complex subunit 2; plus strand). Cytogenetic location: 16p13.3.
Variant type: Duplication.
Coding change: c.2947_2950dup on transcript NM_000548.5 (MANE Select); coding-DNA positions 2947 to 2950, 4 bases duplicated (TCTG; older notation c.2947_2950dupTCTG).
Protein change: p.Glu984delinsValTer.
Molecular consequence: nonsense. On other transcripts: intron variant (31), frameshift variant (1).
Genome position (GRCh38, 1-based): chr16:2,077,707-2,077,710, TCTG duplicated; duplicating any 4 consecutive bases within chr16:2,077,705-2,077,710 gives the same sequence; the c. name uses the placement nearest the transcript's 3' end. VCF-style (leftmost placement, unchanged base first): chr16-2077704-G-GTGTC. GRCh37 (hg19) VCF-style: chr16-2127705-G-GTGTC.
Other names: c.2947_2950dup, p.Glu984delinsValTer (NM_001114382.3, NM_001406663.1, NM_001406664.1); c.2836_2839dup, p.Glu947delinsValTer (NM_001406670.1); c.2800_2803dup, p.Glu935delinsValTer (NM_001406675.1, NM_001406676.1); c.2347_2350dup, p.Glu784delinsValTer (NM_001406680.1, NM_001406682.1, NM_001406683.1 and 1 more transcripts); c.1603_1606dup, p.Glu536delinsValTer (NM_001406689.1); c.1493+1122_1493+1125dup (NM_001406693.1, NM_001406690.1, NM_001406692.1 and 5 more transcripts); c.2927+1122_2927+1125dup (NM_001406667.1, NM_001406668.1); c.2237+1122_2237+1125dup (NM_001406687.1, NM_001406685.1, NM_001318831.2 and 2 more transcripts); and 9 more.
Identifiers: ClinVar variation 2626433 (VCV002626433.2), dbSNP rs2543978580, ClinGen allele CA2582342635.